The following is an entry in ClinVar:

ClinVar aggregate classification (germline): Likely pathogenic (1 of 4 stars; one submission).

Conditions:
Osteogenesis imperfecta type 8 (OI8). Identifiers: MedGen C1970458, MONDO:0012581, OMIM 610915.

gnomAD v4.1: 1 of 1,613,756 alleles (0.000062%); highest among the groups gnomAD compares: South Asian, 0.0011%; no homozygotes.

Submission:

Neuberg Centre For Genomic Medicine, NCGM
Classification: Likely pathogenic for Osteogenesis imperfecta type 8. Last evaluated: 2023-05-20. Review status: criteria provided, single submitter. Criteria: ACMG Guidelines, 2015. Collection method: clinical testing. Allele origin: germline. Inheritance: Autosomal recessive inheritance. Affected: yes.
Comment: The observed stop gained variant c.2065C>T(p.Gln689Ter) in P3H1 gene has not been reported previously as a pathogenic variant nor as a benign variant, to our knowledge. The c.2065C>T variant has 0.0004% allele frequency in gnomAD Exomes. Computational evidence (Mutation Taster - Disease causing) predicts damaging effect on protein structure and function for this variant. Loss of function variants have been previously reported to be disease causing. A loss of function variant downstream of this region[NM_022356.4(P3H1): c.2101_2102insT (p.Glu701fs)] has been previously reported as pathogenic. However since this variant is present in the last exon, functional studies will be required to prove protein truncation. For these reasons, this variant has been classified as Likely pathogenic.

NM_022356.4(P3H1):c.2065C>T (p.Gln689Ter)

Gene: P3H1 (prolyl 3-hydroxylase 1; minus strand). Cytogenetic location: 1p34.2.
Variant type: single nucleotide variant.
Coding change: c.2065C>T on transcript NM_022356.4 (MANE Select); coding-DNA position 2065, C replaced by T.
Protein change: p.Gln689Ter; replaces glutamine 689 with a stop codon.
Molecular consequence: nonsense. On other transcripts: missense variant (1), 3 prime UTR variant (1).
Genome position (GRCh38, 1-based): chr1:42,746,843, G>A on the plus strand (C>T on the coding strand, the complement: P3H1 is on the minus strand). VCF-style: chr1-42746843-G-A. GRCh37 (hg19) VCF-style: chr1-43212514-G-A.
Other names: c.2084C>T, p.Ala695Val (NM_001146289.2); c.*69C>T (NM_001243246.2); short protein forms A695V, Q689*.
Identifiers: ClinVar variation 3341389 (VCV003341389.1).
Genomic context (GRCh38, chr1:42,746,843, plus strand): 5'-GCTCCTGGGAGAGGTCCATCTCTTCTGGGCTGAAGAGCATCTTCACCAGGTCATCTGCCT[G>A]CACCCTGTCCTGCAAGGACAAACCCCTGCCCATTCAGAGAGGCCTCCGCTCCAGACACTC-3'